The following is an entry in ClinVar:

NM_000018.4(ACADVL):c.577G>C (p.Gly193Arg)

Gene: ACADVL (acyl-CoA dehydrogenase very long chain; plus strand). Cytogenetic location: 17p13.1.
Variant type: single nucleotide variant.
Coding change: c.577G>C on transcript NM_000018.4 (MANE Select); coding-DNA position 577, G replaced by C.
Protein change: p.Gly193Arg; replaces glycine 193 with arginine.
Molecular consequence: missense variant.
Genome position (GRCh38, 1-based): chr17:7,221,637, G>C. VCF-style: chr17-7221637-G-C. GRCh37 (hg19) VCF-style: chr17-7124956-G-C.
Other names: NM_000018.4(ACADVL):c.577G>C; p.Gly193Arg; c.511G>C, p.Gly171Arg (NM_001033859.3); c.646G>C, p.Gly216Arg (NM_001270447.2); c.349G>C, p.Gly117Arg (NM_001270448.2); short protein forms G193R, G117R, G171R, G216R.
Identifiers: ClinVar variation 932788 (VCV000932788.8), dbSNP rs763630981, ClinGen allele CA8337761.

ClinVar aggregate classification (germline): Uncertain significance. Review status: reviewed by expert panel (3 of 4 stars). 4 submissions from 4 submitters: Uncertain significance (1). 3 of the submissions do not count toward it. Last evaluated 2022-12-14.

Conditions:
Very long chain acyl-CoA dehydrogenase deficiency (ACADVLD). Also called: Very Long-Chain Acyl-Coenzyme A Dehydrogenase Deficiency; VLCAD Deficiency. Identifiers: Orphanet 26793, MedGen C3887523, MONDO:0008723, OMIM 201475.

Allele frequency attached by ClinVar (database versions not stated): gnomAD exomes below 0.00001 and 0.00001; TOPMed below 0.00001; ExAC 0.00001; gnomAD 0.00001.
gnomAD v4.1: 4 of 1,613,910 alleles (0.00025%); highest among the groups gnomAD compares: Admixed American, 0.0033%; no homozygotes.

Submissions (4):

ClinGen ACADVL Variant Curation Expert Panel, ClinGen
Classification: Uncertain significance for Very long chain acyl-CoA dehydrogenase deficiency. Last evaluated: 2022-12-14. Review status: reviewed by expert panel. Criteria: clingen acadvl acmg specifications v1. Collection method: curation. Allele origin: germline. Inheritance: Autosomal recessive inheritance.
Comment: The c.577G>C variant in ACADVL is a missense variant predicted to cause substitution of glycine by arginine at amino acid 193 (p.Gly193Arg). This variant has been described in several reportedly affected individuals, and at least one individual displayed VLCAD enzyme levels <20% of controls which is highly specific for very long chain acyl-CoA dehydrogenase (VLCAD) deficiency (PP4_Moderate; PMIDs: 25834949, 25737446). The variant has been described not confirmed in trans to distinct uncertain variants and has also been described in the homozygous state in an individual who did not meet PP4 criteria and was therefore unable to be counted toward PM3 data (PMIDs: 25834949, 25737446, 17999356, 16950999, 25737446, 24305961,16435213, 25834949). The highest population minor allele frequency in gnomAD v2.1.1 is 0.00003 in the Latino population, which is lower than the ClinGen ACADVL Variant Curation Expert Panel threshold (<0.001) for PM2_Supporting, meeting this criterion (PM2_Supporting). The computational predictor REVEL gives a score of 0.954, which is above the threshold of 0.75, evidence that correlates with impact to ACADVL function (PP3). Due to limited evidence, this variant is classified as a variant of uncertain significance for autosomal recessive VLCAD deficiency based on the ACMG/AMP criteria applied, as specified by the ClinGen ACADVL Variant Curation Expert Panel: PP4_Moderate, PM2_Supporting, PP3 (ACADVL VCEP specifications version 1; approved November 8, 2021).

Labcorp Genetics (formerly Invitae), Labcorp
Classification: Likely pathogenic for Very long chain acyl-CoA dehydrogenase deficiency. Last evaluated: 2025-04-02. Review status: criteria provided, single submitter. Criteria: Invitae Variant Classification Sherloc (09022015). Collection method: clinical testing. Allele origin: germline. Not counted in ClinVar's aggregate classification.
Comment: This sequence change replaces glycine, which is neutral and non-polar, with arginine, which is basic and polar, at codon 193 of the ACADVL protein (p.Gly193Arg). This variant is present in population databases (rs763630981, gnomAD 0.003%). This missense change has been observed in individual(s) with VLCAD deficiency (PMID: 25834949). ClinVar contains an entry for this variant (Variation ID: 932788). Invitae Evidence Modeling of protein sequence and biophysical properties (such as structural, functional, and spatial information, amino acid conservation, physicochemical variation, residue mobility, and thermodynamic stability) indicates that this missense variant is expected to disrupt ACADVL protein function with a positive predictive value of 80%. In summary, the currently available evidence indicates that the variant is pathogenic, but additional data are needed to prove that conclusively. Therefore, this variant has been classified as Likely Pathogenic.

Baylor Genetics
Classification: Likely pathogenic for Very long chain acyl-CoA dehydrogenase deficiency. Last evaluated: 2023-03-08. Review status: criteria provided, single submitter. Criteria: ACMG Guidelines, 2015. Collection method: clinical testing. Allele origin: unknown. Not counted in ClinVar's aggregate classification.

Wong Mito Lab, Molecular and Human Genetics, Baylor College of Medicine
Classification: Pathogenic for Very long chain acyl-CoA dehydrogenase deficiency. Last evaluated: 2019-11-01. Review status: criteria provided, single submitter. Criteria: ACMG Guidelines, 2015. Collection method: clinical testing. Allele origin: germline. Not counted in ClinVar's aggregate classification.
Comment: The NM_000018.3:c.577G>C (NP_000009.1:p.Gly193Arg) [GRCH38: NC_000017.11:g.7221637G>C] variant in ACADVL gene is interpretated to be Pathogenic based on ACMG guidelines (PMID: 25741868). This variant has been reported in PMID: 16435213; 25834949. This variant meets the following evidence codes reported in the ACMG guidelines: PS1, PS3

Literature cited by the submitters: PubMed 25834949 (cited by Labcorp Genetics (formerly Invitae), Labcorp and Wong Mito Lab, Molecular and Human Genetics, Baylor College of Medicine); PubMed 16435213 (cited by Wong Mito Lab, Molecular and Human Genetics, Baylor College of Medicine).